The following is an entry in ClinVar:

NM_012213.3(MLYCD):c.1295G>A (p.Arg432His)

Gene: MLYCD (malonyl-CoA decarboxylase; plus strand). Cytogenetic location: 16q23.3.
Variant type: single nucleotide variant.
Coding change: c.1295G>A on transcript NM_012213.3 (MANE Select); coding-DNA position 1295, G replaced by A.
Protein change: p.Arg432His; replaces arginine 432 with histidine.
Molecular consequence: missense variant.
Genome position (GRCh38, 1-based): chr16:83,915,302, G>A. VCF-style: chr16-83915302-G-A. GRCh37 (hg19) VCF-style: chr16-83948907-G-A.
Other names: short protein forms R432H.
Identifiers: ClinVar variation 429477 (VCV000429477.6), dbSNP rs201973830, ClinGen allele CA8197588.

ClinVar aggregate classification (germline): Uncertain significance. Review status: criteria provided, multiple submitters, no conflicts (2 of 4 stars). 2 submissions from 2 submitters: Uncertain significance (2). Last evaluated 2024-10-23.

Conditions:
Deficiency of malonyl-CoA decarboxylase. Also called: Malonic aciduria; MCD deficiency. Identifiers: Orphanet 943, MedGen C0342793, MONDO:0009556, OMIM 248360.

Allele frequency attached by ClinVar (database versions not stated): gnomAD 0.00006; TOPMed 0.00006; ESP Exome Variant Server 0.00008; gnomAD exomes 0.00018; 1000 Genomes Project 0.00020; ExAC 0.00022; 1000 Genomes Project 30x 0.00031.

Submissions (2):

GeneDx
Classification: Uncertain significance. Last evaluated: 2024-10-23. Review status: criteria provided, single submitter. Criteria: GeneDx Variant Classification Process June 2021. Collection method: clinical testing. Allele origin: germline. Affected: yes.
Comment: In silico analysis supports that this missense variant has a deleterious effect on protein structure/function; Has not been previously published as pathogenic or benign to our knowledge

Labcorp Genetics (formerly Invitae), Labcorp
Classification: Uncertain significance for Deficiency of malonyl-CoA decarboxylase. Last evaluated: 2022-09-01. Review status: criteria provided, single submitter. Criteria: Invitae Variant Classification Sherloc (09022015). Collection method: clinical testing. Allele origin: germline.
Comment: This sequence change replaces arginine, which is basic and polar, with histidine, which is basic and polar, at codon 432 of the MLYCD protein (p.Arg432His). This variant is present in population databases (rs201973830, gnomAD 0.1%). This variant has not been reported in the literature in individuals affected with MLYCD-related conditions. ClinVar contains an entry for this variant (Variation ID: 429477). Advanced modeling of protein sequence and biophysical properties (such as structural, functional, and spatial information, amino acid conservation, physicochemical variation, residue mobility, and thermodynamic stability) performed at Invitae indicates that this missense variant is expected to disrupt MLYCD protein function. In summary, the available evidence is currently insufficient to determine the role of this variant in disease. Therefore, it has been classified as a Variant of Uncertain Significance.